The following is an entry in ClinVar:

NM_004946.3(DOCK2):c.3598C>T (p.Arg1200Cys)

Gene: DOCK2 (dedicator of cytokinesis 2; plus strand). Cytogenetic location: 5q35.1.
Variant type: single nucleotide variant.
Coding change: c.3598C>T on transcript NM_004946.3 (MANE Select); coding-DNA position 3598, C replaced by T.
Protein change: p.Arg1200Cys; replaces arginine 1200 with cysteine.
Molecular consequence: missense variant. On other transcripts: non-coding transcript variant (1).
Genome position (GRCh38, 1-based): chr5:170,034,529, C>T. VCF-style: chr5-170034529-C-T. GRCh37 (hg19) VCF-style: chr5-169461533-C-T.
Other names: short protein forms R1200C.
Identifiers: ClinVar variation 1017150 (VCV001017150.6), dbSNP rs1756252692, ClinGen allele CA362107434.

ClinVar aggregate classification (germline): Uncertain significance (1 of 4 stars; one submission).

Conditions:
DOCK2 deficiency. Also called: Immunodeficiency 40. Identifiers: Orphanet 447737, MedGen C4225328, MONDO:0014637, OMIM 616433.

Allele frequency attached by ClinVar (database versions not stated): gnomAD exomes below 0.00001; TOPMed below 0.00001.
gnomAD v4.1: 5 of 1,614,128 alleles (0.00031%); highest among the groups gnomAD compares: Non-Finnish European, 0.00034%; no homozygotes.

Submission:

Labcorp Genetics (formerly Invitae), Labcorp
Classification: Uncertain significance for DOCK2 deficiency. Last evaluated: 2021-09-01. Review status: criteria provided, single submitter. Criteria: Invitae Variant Classification Sherloc (09022015). Collection method: clinical testing. Allele origin: germline.
Comment: This sequence change replaces arginine with cysteine at codon 1200 of the DOCK2 protein (p.Arg1200Cys). The arginine residue is highly conserved and there is a large physicochemical difference between arginine and cysteine. This variant is not present in population databases (ExAC no frequency). This variant has not been reported in the literature in individuals affected with DOCK2-related conditions. Algorithms developed to predict the effect of missense changes on protein structure and function are either unavailable or do not agree on the potential impact of this missense change (SIFT: "Deleterious"; PolyPhen-2: "Possibly Damaging"; Align-GVGD: "Class C0"). In summary, the available evidence is currently insufficient to determine the role of this variant in disease. Therefore, it has been classified as a Variant of Uncertain Significance.